The following is an entry in ClinVar:

ClinVar aggregate classification (germline): Uncertain significance (0 of 4 stars; one submission).

Conditions:
Prostate cancer. Also called: Malignant tumor of prostate. Identifiers: Orphanet 1331, MedGen C0376358, MONDO:0008315, HP:0012125.

Submission:

Science for Life laboratory,  Karolinska Institutet
Classification: Uncertain significance for Malignant tumor of prostate. Review status: no assertion criteria provided. Collection method: not provided. Allele origin: somatic.
Comment: TumorID:SWE-19
ClinVar note: Converted during submission from Unknown to Uncertain significance.

NM_005802.5(TOPORS):c.2808A>C (p.Gln936His)

Gene: TOPORS (TOP1 binding arginine/serine rich protein, E3 ubiquitin ligase; minus strand). Cytogenetic location: 9p21.1.
Variant type: single nucleotide variant.
Coding change: c.2808A>C on transcript NM_005802.5 (MANE Select); coding-DNA position 2808, A replaced by C.
Protein change: p.Gln936His; replaces glutamine 936 with histidine.
Molecular consequence: missense variant.
Genome position (GRCh38, 1-based): chr9:32,541,717, T>G on the plus strand (A>C on the coding strand, the complement: TOPORS is on the minus strand). VCF-style: chr9-32541717-T-G. GRCh37 (hg19) VCF-style: chr9-32541715-T-G.
Other names: c.2613A>C, p.Gln871His (NM_001195622.2); short protein forms Q871H, Q936H.
Identifiers: ClinVar variation 161562 (VCV000161562.2), dbSNP rs193920910, ClinGen allele CA174347.
Genomic context (GRCh38, chr9:32,541,717, plus strand): 5'-TTCTATTGTAACTACATCTTTAGTTTCAAATGGTTCCAAGGAAGGAGCCAAAAACTCATT[T>G]TGTAGAGGGTCTTGAGGACCACTATTGTCACATTCTGTATCCTCCTTTACTTCAGAATCC-3'
Protein context (NP_005793.2, residues 926-946): CDNSGPQDPL[Gln936His]NEFLAPSLEP